The following is an entry in ClinVar:

ClinVar aggregate classification (germline): Uncertain significance (1 of 4 stars; one submission).

Conditions:
WDPCP-related disorder. Also called: WDPCP-related condition.

Submission:

PreventionGenetics, part of Exact Sciences
Classification: Uncertain significance for WDPCP-related condition. Last evaluated: 2025-01-15. Review status: criteria provided, single submitter. Criteria: ACMG Guidelines, 2015. Collection method: clinical testing. Allele origin: germline.
Comment: The WDPCP c.2158+7G>A variant is predicted to interfere with splicing. To our knowledge, this variant has not been reported in the literature or in a large population database (gnomAD), indicating this variant is rare. At this time, the clinical significance of this variant is uncertain due to the absence of conclusive functional and genetic evidence.

NM_015910.7(WDPCP):c.2158+7G>A

Gene: WDPCP (WD repeat containing planar cell polarity effector; minus strand). Cytogenetic location: 2p15.
Variant type: single nucleotide variant.
Coding change: c.2158+7G>A on transcript NM_015910.7 (MANE Select); 7 bases into the intron after coding-DNA position 2158, G replaced by A.
Molecular consequence: intron variant.
Genome position (GRCh38, 1-based): chr2:63,153,488, C>T on the plus strand (G>A on the coding strand, the complement: WDPCP is on the minus strand). VCF-style: chr2-63153488-C-T. GRCh37 (hg19) VCF-style: chr2-63380623-C-T.
Other names: c.2086+7G>A (NM_001354044.2); c.1681+7G>A (NM_001042692.3).
Identifiers: ClinVar variation 4985649 (VCV004985649.1).